The following is an entry in ClinVar:

ClinVar aggregate classification (germline): Pathogenic (1 of 4 stars; one submission).

Conditions:
Torsion dystonia 6 (DYT6). Also called: DYT-THAP1. Identifiers: Orphanet 98806, MedGen C1414216, MONDO:0011264, OMIM 602629.

Submission:

Labcorp Genetics (formerly Invitae), Labcorp
Classification: Pathogenic for Torsion dystonia 6. Last evaluated: 2022-03-21. Review status: criteria provided, single submitter. Criteria: Invitae Variant Classification Sherloc (09022015). Collection method: clinical testing. Allele origin: germline.
Comment: This variant is not present in population databases (gnomAD no frequency). For these reasons, this variant has been classified as Pathogenic. ClinVar contains an entry for this variant (Variation ID: 532262). This premature translational stop signal has been observed in individuals with dystonia (PMID: 24976531). This sequence change creates a premature translational stop signal (p.Gln97*) in the THAP1 gene. While this is not anticipated to result in nonsense mediated decay, it is expected to disrupt the last 117 amino acid(s) of the THAP1 protein.

Literature cited by the submitters: PubMed 24976531.

NM_018105.3(THAP1):c.289C>T (p.Gln97Ter)

Gene: THAP1 (THAP domain containing 1; minus strand). Cytogenetic location: 8p11.21.
Variant type: single nucleotide variant.
Coding change: c.289C>T on transcript NM_018105.3 (MANE Select); coding-DNA position 289, C replaced by T.
Protein change: p.Gln97Ter; replaces glutamine 97 with a stop codon.
Molecular consequence: nonsense. On other transcripts: synonymous variant (1).
Genome position (GRCh38, 1-based): chr8:42,838,315, G>A on the plus strand (C>T on the coding strand, the complement: THAP1 is on the minus strand). VCF-style: chr8-42838315-G-A. GRCh37 (hg19) VCF-style: chr8-42693458-G-A.
Other names: c.93C>T, p.His31= (NM_199003.2); short protein forms Q97*.
Identifiers: ClinVar variation 532262 (VCV000532262.5), dbSNP rs1554599616, ClinGen allele CA371107576.